The following is an entry in ClinVar:

NM_001854.4(COL11A1):c.1690C>T (p.Arg564Ter)

Gene: COL11A1 (collagen type XI alpha 1 chain; minus strand). Cytogenetic location: 1p21.1.
Variant type: single nucleotide variant.
Coding change: c.1690C>T on transcript NM_001854.4 (MANE Select); coding-DNA position 1690, C replaced by T.
Protein change: p.Arg564Ter; replaces arginine 564 with a stop codon.
Molecular consequence: nonsense. On other transcripts: non-coding transcript variant (1).
Genome position (GRCh38, 1-based): chr1:103,006,309, G>A on the plus strand (C>T on the coding strand, the complement: COL11A1 is on the minus strand). VCF-style: chr1-103006309-G-A. GRCh37 (hg19) VCF-style: chr1-103471865-G-A.
Other names: c.1573C>T, p.Arg525Ter (NM_001190709.2); c.1726C>T, p.Arg576Ter (NM_080629.3); c.1342C>T, p.Arg448Ter (NM_080630.4); short protein forms R448*, R525*, R564*, R576*.
Identifiers: ClinVar variation 4526648 (VCV004526648.1).

ClinVar aggregate classification (germline): Likely pathogenic (1 of 4 stars; one submission).

Conditions:
Hearing loss, autosomal dominant 37. Also called: DEAFNESS, AUTOSOMAL DOMINANT 37. Identifiers: MedGen C4760307, MONDO:0032802, OMIM 618533.

gnomAD v4.1: 1 of 1,608,104 alleles (0.000062%); highest among the groups gnomAD compares: Non-Finnish European, 0.000085%; no homozygotes.

Submission:

Regional Center For Medical Genetics Timis, Louis Turcanu Emergency Hospital for Children Timisoara
Classification: Likely pathogenic for Hearing loss, autosomal dominant 37. Last evaluated: 2025-07-16. Review status: criteria provided, single submitter. Criteria: ACMG Guidelines, 2015. Collection method: clinical testing. Allele origin: germline. Affected: yes.
Comment: The variant is present in the presumed healthy population at a very low frequency in heterozygous state (gnomAD v4.1.0, allele frequency = 6.219e-7). It introduces a premature stop codon, resulting in protein truncation and predicted loss of function. Loss-of-function variants in COL11A1 are a known disease mechanism. To our knowledge, this variant has not been previously reported in the literature or submitted to ClinVar by other laboratories. Based on the available evidence, this variant is classified as likely pathogenic.